The following is an entry in ClinVar:

ClinVar aggregate classification (germline): Conflicting classifications of pathogenicity. Review status: criteria provided, conflicting classifications (1 of 4 stars). 2 submissions from 2 submitters: Uncertain significance (1); Likely benign (1). Last evaluated 2025-10-21.

Conditions:
TTN-related disorder. Also called: TTN-related disorders; TTN-related condition; TTN-related disease.

Allele frequency attached by ClinVar (database versions not stated): gnomAD exomes below 0.00001; TOPMed below 0.00001.
gnomAD v4.1: 4 of 1,572,592 alleles (0.00025%); highest among the groups gnomAD compares: Non-Finnish European, 0.00026%; no homozygotes.

Submissions (2):

PreventionGenetics, part of Exact Sciences
Classification: Likely benign for TTN-related condition. Last evaluated: 2025-10-21. Review status: criteria provided, single submitter. Criteria: ACMG Guidelines, 2015. Collection method: clinical testing. Allele origin: germline.
Comment: This variant is classified as likely benign based on ACMG/AMP sequence variant interpretation guidelines (Richards et al. 2015 PMID: 25741868, with internal and published modifications).

Women's Health and Genetics/Laboratory Corporation of America, LabCorp
Classification: Uncertain significance. Last evaluated: 2023-06-26. Review status: criteria provided, single submitter. Criteria: LabCorp Variant Classification Summary - May 2015. Collection method: clinical testing. Allele origin: germline.
Comment: Variant summary: TTN c.15137-3C>T alters a conserved nucleotide located close to a canonical splice site and therefore could affect mRNA splicing, leading to a significantly altered protein sequence. 4/4 computational tools predict no significant impact on normal splicing. However, these predictions have yet to be confirmed by functional studies. The variant was absent in 212400 control chromosomes (gnomAD v2.1). The available data on variant occurrences in the general population are insufficient to allow any conclusion about variant significance. To our knowledge, no occurrence of c.15137-3C>T in individuals affected with Dilated Cardiomyopathy and no experimental evidence demonstrating its impact on protein function have been reported. No submitters have cited clinical-significance assessments for this variant to ClinVar after 2014. Based on the evidence outlined above, the variant was classified as uncertain significance.

NM_001267550.2(TTN):c.18869-3C>T

Genes: TTN (titin; minus strand), LOC126806430 (BRD4-independent group 4 enhancer GRCh37_chr2:179593794-179594993; plus strand). Cytogenetic location: 2q31.2.
Variant type: single nucleotide variant.
Coding change: c.18869-3C>T on transcript NM_001267550.2 (MANE Select); 3 bases into the intron before coding-DNA position 18869, C replaced by T.
Molecular consequence: intron variant.
Genome position (GRCh38, 1-based): chr2:178,729,172, G>A on the plus strand (C>T on the coding strand, the complement: TTN is on the minus strand). VCF-style: chr2-178729172-G-A. GRCh37 (hg19) VCF-style: chr2-179593899-G-A.
Other names: c.13282+8910C>T (NM_003319.4); c.13858+8910C>T (NM_133437.4); c.13657+8910C>T (NM_133432.3); c.15137-3C>T (NM_133378.4); c.17918-3C>T (NM_001256850.1).
Identifiers: ClinVar variation 2573645 (VCV002573645.2), dbSNP rs2079916607, ClinGen allele CA1310596794.